The following is an entry in ClinVar:

ClinVar aggregate classification (germline): Conflicting classifications of pathogenicity. Review status: criteria provided, conflicting classifications (1 of 4 stars). 2 submissions from 2 submitters: Likely pathogenic (1); Uncertain significance (1). Last evaluated 2026-04-03.

Conditions:
Hereditary cancer-predisposing syndrome. Also called: Tumor predisposition; Hereditary neoplastic syndrome; Neoplastic Syndromes, Hereditary; Hereditary Cancer Syndrome. Identifiers: Orphanet 140162, MedGen C0027672, MeSH D009386, MONDO:0015356.
Pheochromocytoma/paraganglioma syndrome 5. Also called: Paragangliomas 5; SDHA-Related Hereditary Paraganglioma-Pheochromocytoma Syndrome. Identifiers: Orphanet 29072, MedGen C3279992, MONDO:0013602, OMIM 614165.
Mitochondrial complex II deficiency, nuclear type 1. Also called: SUCCINATE CoQ REDUCTASE DEFICIENCY. Identifiers: Orphanet 3208, MedGen C5700310, MONDO:0100294, OMIM 252011.

Allele frequency attached by ClinVar (database versions not stated): gnomAD exomes below 0.00001; ExAC 0.00001.

Submissions (2):

Ambry Genetics
Classification: Uncertain significance for Hereditary cancer-predisposing syndrome. Last evaluated: 2026-04-03. Review status: criteria provided, single submitter. Criteria: Ambry Variant Classification Scheme 2023. Collection method: clinical testing. Allele origin: germline.
Comment: The c.1551+1G>A intronic variant results from a G to A substitution one nucleotide after coding exon 11 of the SDHA gene. This nucleotide position is highly conserved in available vertebrate species. In silico splice site analysis predicts that this alteration will weaken the native splice donor site and may result in the creation or strengthening of a novel splice donor site. RNA studies have demonstrated that this alteration results in a transcript predicted to lead to a protein with an in-frame insertion of 8 amino acids; however, the exact functional impact of the inserted amino acids is unknown at this time (Ambry internal data). Since supporting evidence is limited at this time, the clinical significance of this alteration remains unclear.

Labcorp Genetics (formerly Invitae), Labcorp
Classification: Likely pathogenic for Pheochromocytoma/paraganglioma syndrome 5; Mitochondrial complex II deficiency, nuclear type 1. Last evaluated: 2023-10-09. Review status: criteria provided, single submitter. Criteria: Invitae Variant Classification Sherloc (09022015). Collection method: clinical testing. Allele origin: germline.
Comment: This sequence change affects a donor splice site in intron 11 of the SDHA gene. RNA analysis indicates that disruption of this splice site induces altered splicing and likely results in the gain of 8 amino acid residue(s), but is expected to preserve the integrity of the reading-frame. This variant is present in population databases (rs759806010, gnomAD 0.003%). This variant has not been reported in the literature in individuals affected with SDHA-related conditions. ClinVar contains an entry for this variant (Variation ID: 839910). Studies have shown that disruption of this splice site results in the activation of a cryptic splice site in intron 11 (Invitae). In summary, the currently available evidence indicates that the variant is pathogenic, but additional data are needed to prove that conclusively. Therefore, this variant has been classified as Likely Pathogenic.

NM_004168.4(SDHA):c.1551+1G>A

Gene: SDHA (succinate dehydrogenase complex flavoprotein subunit A; plus strand). Cytogenetic location: 5p15.33.
Variant type: single nucleotide variant.
Coding change: c.1551+1G>A on transcript NM_004168.4 (MANE Select); the canonical splice donor site of the intron after coding-DNA position 1551, G replaced by A.
Molecular consequence: splice donor variant.
Genome position (GRCh38, 1-based): chr5:240,477, G>A. VCF-style: chr5-240477-G-A. GRCh37 (hg19) VCF-style: chr5-240592-G-A.
Other names: c.1551+1G>A (NM_001330758.2); c.1407+1G>A (NM_001294332.2).
Identifiers: ClinVar variation 839910 (VCV000839910.9), dbSNP rs759806010, ClinGen allele CA3173272.